The following is an entry in ClinVar:

ClinVar aggregate classification (germline): Uncertain significance (1 of 4 stars; one submission).

Submission:

Labcorp Genetics (formerly Invitae), Labcorp
Classification: Uncertain significance. Last evaluated: 2025-10-08. Review status: criteria provided, single submitter. Criteria: Invitae Variant Classification Sherloc (09022015). Collection method: clinical testing. Allele origin: germline.
Comment: This sequence change replaces aspartic acid, which is acidic and polar, with tyrosine, which is neutral and polar, at codon 1439 of the ALPK3 protein (p.Asp1439Tyr). This variant is not present in population databases (gnomAD no frequency). This variant has not been reported in the literature in individuals affected with ALPK3-related conditions. An algorithm developed to predict the effect of missense changes on protein structure and function (PolyPhen-2) suggests that this variant is likely to be disruptive. In summary, the available evidence is currently insufficient to determine the role of this variant in disease. Therefore, it has been classified as a Variant of Uncertain Significance.

NM_020778.5(ALPK3):c.3709G>T (p.Asp1237Tyr)

Gene: ALPK3 (alpha kinase 3; plus strand). Cytogenetic location: 15q25.3.
Variant type: single nucleotide variant.
Coding change: c.3709G>T on transcript NM_020778.5 (MANE Select); coding-DNA position 3709, G replaced by T.
Protein change: p.Asp1237Tyr; replaces aspartic acid 1237 with tyrosine.
Molecular consequence: missense variant.
Genome position (GRCh38, 1-based): chr15:84,858,447, G>T. VCF-style: chr15-84858447-G-T. GRCh37 (hg19) VCF-style: chr15-85401678-G-T.
Other names: short protein forms D1237Y.
Identifiers: ClinVar variation 4728755 (VCV004728755.1).